The following is an entry in ClinVar:

NM_001349253.2(SCN11A):c.4415G>A (p.Arg1472Gln)

Gene: SCN11A (sodium voltage-gated channel alpha subunit 11; minus strand). Cytogenetic location: 3p22.2.
Variant type: single nucleotide variant.
Coding change: c.4415G>A on transcript NM_001349253.2 (MANE Select); coding-DNA position 4415, G replaced by A.
Protein change: p.Arg1472Gln; replaces arginine 1472 with glutamine.
Molecular consequence: missense variant.
Genome position (GRCh38, 1-based): chr3:38,847,655, C>T on the plus strand (G>A on the coding strand, the complement: SCN11A is on the minus strand). VCF-style: chr3-38847655-C-T. GRCh37 (hg19) VCF-style: chr3-38889146-C-T.
Other names: c.4415G>A, p.Arg1472Gln (NM_014139.3); short protein forms R1472Q.
Identifiers: ClinVar variation 1505396 (VCV001505396.6), dbSNP rs1343553308, ClinGen allele CA352163881.

ClinVar aggregate classification (germline): Uncertain significance (1 of 4 stars; one submission).

Conditions:
Hereditary sensory and autonomic neuropathy type 7. Also called: HSAN VII; Neuropathy, hereditary sensory and autonomic, type VII. Identifiers: Orphanet 391397, MedGen C3809882, MONDO:0014244, OMIM 615548.
Familial episodic pain syndrome with predominantly lower limb involvement. Also called: Episodic pain syndrome, familial, 3. Identifiers: Orphanet 391384, Orphanet 391392, MedGen C3809899, MONDO:0014247, OMIM 615552.

Allele frequency attached by ClinVar (database versions not stated): gnomAD 0.00001; gnomAD exomes 0.00001 and below 0.00001.
gnomAD v4.1: 15 of 1,613,802 alleles (0.00093%); highest among the groups gnomAD compares: South Asian, 0.0044%; no homozygotes.

Submission:

Labcorp Genetics (formerly Invitae), Labcorp
Classification: Uncertain significance for Familial episodic pain syndrome with predominantly lower limb involvement; Hereditary sensory and autonomic neuropathy type 7. Last evaluated: 2025-08-13. Review status: criteria provided, single submitter. Criteria: Invitae Variant Classification Sherloc (09022015). Collection method: clinical testing. Allele origin: germline.
Comment: This sequence change replaces arginine, which is basic and polar, with glutamine, which is neutral and polar, at codon 1472 of the SCN11A protein (p.Arg1472Gln). This variant is present in population databases (no rsID available, gnomAD 0.003%). This variant has not been reported in the literature in individuals affected with SCN11A-related conditions. ClinVar contains an entry for this variant (Variation ID: 1505396). Invitae Evidence Modeling of protein sequence and biophysical properties (such as structural, functional, and spatial information, amino acid conservation, physicochemical variation, residue mobility, and thermodynamic stability) indicates that this missense variant is expected to disrupt SCN11A protein function with a positive predictive value of 80%. In summary, the available evidence is currently insufficient to determine the role of this variant in disease. Therefore, it has been classified as a Variant of Uncertain Significance.